The following is an entry in ClinVar:

ClinVar aggregate classification (germline): Uncertain significance (1 of 4 stars; one submission).

Conditions:
Glycogen storage disease due to muscle and heart glycogen synthase deficiency. Also called: GSD 0b; MUSCLE GLYCOGEN SYNTHASE DEFICIENCY. Identifiers: Orphanet 137625, MedGen C1969054, MONDO:0012693, OMIM 611556.

Allele frequency attached by ClinVar (database versions not stated): TOPMed 0.00001.

Submission:

Labcorp Genetics (formerly Invitae), Labcorp
Classification: Uncertain significance for Glycogen storage disease due to muscle and heart glycogen synthase deficiency. Last evaluated: 2022-08-05. Review status: criteria provided, single submitter. Criteria: Invitae Variant Classification Sherloc (09022015). Collection method: clinical testing. Allele origin: germline.
Comment: Algorithms developed to predict the effect of missense changes on protein structure and function are either unavailable or do not agree on the potential impact of this missense change (SIFT: "Deleterious"; PolyPhen-2: "Probably Damaging"; Align-GVGD: "Class C0"). In summary, the available evidence is currently insufficient to determine the role of this variant in disease. Therefore, it has been classified as a Variant of Uncertain Significance. This variant has not been reported in the literature in individuals affected with GYS1-related conditions. This variant is not present in population databases (gnomAD no frequency). This sequence change replaces leucine, which is neutral and non-polar, with proline, which is neutral and non-polar, at codon 349 of the GYS1 protein (p.Leu349Pro).

NM_002103.5(GYS1):c.1046T>C (p.Leu349Pro)

Gene: GYS1 (glycogen synthase 1; minus strand). Cytogenetic location: 19q13.33.
Variant type: single nucleotide variant.
Coding change: c.1046T>C on transcript NM_002103.5 (MANE Select); coding-DNA position 1046, T replaced by C.
Protein change: p.Leu349Pro; replaces leucine 349 with proline.
Molecular consequence: missense variant. On other transcripts: non-coding transcript variant (1).
Genome position (GRCh38, 1-based): chr19:48,982,271, A>G on the plus strand (T>C on the coding strand, the complement: GYS1 is on the minus strand). VCF-style: chr19-48982271-A-G. GRCh37 (hg19) VCF-style: chr19-49485528-A-G.
Other names: c.854T>C, p.Leu285Pro (NM_001161587.2); short protein forms L285P, L349P.
Identifiers: ClinVar variation 2177444 (VCV002177444.4), dbSNP rs1323347425, ClinGen allele CA406763281.
Genomic context (GRCh38, chr19:48,982,271, plus strand): 5'-CTGCTTTGCTTGCCCTCCCTGTCCCCTCATAGCCCAGGCCTCACTCTGAGCAGATAGTTG[A>G]GCCGAGCCAATGCCTCCAGGAAGACGTCAGCACCCTTGTTGGAGAACTCATAGCGGCCGG-3'
Protein context (NP_002094.2, residues 339-359): ADVFLEALAR[Leu349Pro]NYLLRVNGSE